The following is an entry in ClinVar:

NM_001080517.3(SETD5):c.3195del (p.Val1066fs)

Gene: SETD5 (SET domain containing 5; plus strand). Cytogenetic location: 3p25.3.
Variant type: Deletion.
Coding change: c.3195del on transcript NM_001080517.3 (MANE Select); coding-DNA position 3195, one base deleted (A; older notation c.3195delA).
Protein change: p.Val1066fs; shifts the reading frame from valine 1066.
Molecular consequence: frameshift variant.
Genome position (GRCh38, 1-based): chr3:9,470,929, A deleted; the last of 6 consecutive A bases (chr3:9,470,924-9,470,929); deleting any one gives the same sequence. VCF-style (leftmost placement, unchanged base first): chr3-9470923-GA-G. GRCh37 (hg19) VCF-style: chr3-9512607-GA-G.
Other names: c.2901del, p.Val968fs (NM_001292043.2, NM_001349451.2); short protein forms V1066fs, V968fs.
Identifiers: ClinVar variation 1702644 (VCV001702644.4), dbSNP rs2125580802, ClinGen allele CA2580070733.

ClinVar aggregate classification (germline): Pathogenic. Review status: criteria provided, multiple submitters, no conflicts (2 of 4 stars). 2 submissions from 2 submitters: Pathogenic (2). Last evaluated 2024-06-28.

Submissions (2):

Labcorp Genetics (formerly Invitae), Labcorp
Classification: Pathogenic. Last evaluated: 2024-06-28. Review status: criteria provided, single submitter. Criteria: Invitae Variant Classification Sherloc (09022015). Collection method: clinical testing. Allele origin: germline.
Comment: This sequence change creates a premature translational stop signal (p.Val1066Tyrfs*78) in the SETD5 gene. It is expected to result in an absent or disrupted protein product. Loss-of-function variants in SETD5 are known to be pathogenic (PMID: 24680889). This variant is not present in population databases (gnomAD no frequency). This variant has not been reported in the literature in individuals affected with SETD5-related conditions. ClinVar contains an entry for this variant (Variation ID: 1702644). For these reasons, this variant has been classified as Pathogenic.

GeneDx
Classification: Pathogenic. Last evaluated: 2022-08-15. Review status: criteria provided, single submitter. Criteria: GeneDx Variant Classification Process June 2021. Collection method: clinical testing. Allele origin: germline. Affected: yes.
Comment: Frameshift variant predicted to result in protein truncation or nonsense mediated decay in a gene for which loss of function is a known mechanism of disease; Not observed at significant frequency in large population cohorts (gnomAD); Has not been previously published as pathogenic or benign to our knowledge

Literature cited by the submitters: PubMed 24680889 (cited by Labcorp Genetics (formerly Invitae), Labcorp).